The following is an entry in ClinVar:

NM_000038.6(APC):c.829G>T (p.Gly277Cys)

Gene: APC (APC regulator of Wnt signaling pathway; plus strand). Cytogenetic location: 5q22.2.
Variant type: single nucleotide variant.
Coding change: c.829G>T on transcript NM_000038.6 (MANE Select); coding-DNA position 829, G replaced by T.
Protein change: p.Gly277Cys; replaces glycine 277 with cysteine.
Molecular consequence: missense variant. On other transcripts: 5 prime UTR variant (1).
Genome position (GRCh38, 1-based): chr5:112,801,378, G>T. VCF-style: chr5-112801378-G-T. GRCh37 (hg19) VCF-style: chr5-112137075-G-T.
Other names: c.829G>T, p.Gly277Cys (NM_001127510.3, NM_001354895.2, NM_001354896.2 and 1 more transcripts); c.775G>T, p.Gly259Cys (NM_001127511.3); c.859G>T, p.Gly287Cys (NM_001354897.2, NM_001354902.2); c.754G>T, p.Gly252Cys (NM_001354898.2, NM_001354904.2); c.745G>T, p.Gly249Cys (NM_001354899.2); c.652G>T, p.Gly218Cys (NM_001354900.2, NM_001354901.2, NM_001354905.2); c.-207G>T (NM_001354906.2); short protein forms G259C, G277C, G287C, G218C, G249C, G252C.
Identifiers: ClinVar variation 1044246 (VCV001044246.48), dbSNP rs1760810601, ClinGen allele CA16023142.

ClinVar aggregate classification (germline): Uncertain significance (1 of 4 stars; one submission).

Conditions:
Familial adenomatous polyposis 1 (FAP1). Also called: FAMILIAL ADENOMATOUS POLYPOSIS 1, ATTENUATED; POLYPOSIS, ADENOMATOUS INTESTINAL. Identifiers: MedGen C2713442, MONDO:0021056, OMIM 175100. Disease mechanism: loss of function.

Submission:

Labcorp Genetics (formerly Invitae), Labcorp
Classification: Uncertain significance for Familial adenomatous polyposis 1. Last evaluated: 2020-01-08. Review status: criteria provided, single submitter. Criteria: Invitae Variant Classification Sherloc (09022015). Collection method: clinical testing. Allele origin: germline.
Comment: This sequence change replaces glycine with cysteine at codon 277 of the APC protein (p.Gly277Cys). The glycine residue is moderately conserved and there is a large physicochemical difference between glycine and cysteine. In summary, the available evidence is currently insufficient to determine the role of this variant in disease. Therefore, it has been classified as a Variant of Uncertain Significance. Algorithms developed to predict the effect of missense changes on protein structure and function (SIFT, PolyPhen-2, Align-GVGD) all suggest that this variant is likely to be tolerated, but these predictions have not been confirmed by published functional studies and their clinical significance is uncertain. This variant has not been reported in the literature in individuals with APC-related conditions. This variant is not present in population databases (ExAC no frequency).